The following is an entry in ClinVar:

ClinVar aggregate classification (germline): Uncertain significance. Review status: criteria provided, multiple submitters, no conflicts (2 of 4 stars). 4 submissions from 4 submitters: Uncertain significance (4). Last evaluated 2024-09-09.

Conditions:
Developmental and epileptic encephalopathy, 42 (DEE42A). Also called: Epileptic encephalopathy, early infantile, 42; DEVELOPMENTAL AND EPILEPTIC ENCEPHALOPATHY 42A; EPILEPTIC ENCEPHALOPATHY, EARLY INFANTILE, 42A. Identifiers: MedGen C4310716, MONDO:0014917, OMIM 617106.
Episodic ataxia type 2 (EA2). Also called: ACETAZOLAMIDE-RESPONSIVE HEREDITARY PAROXYSMAL CEREBELLAR ATAXIA; ATAXIA, EPISODIC, WITH NYSTAGMUS; ATAXIA, FAMILIAL PAROXYSMAL; CEREBELLAR ATAXIA, PAROXYSMAL, ACETAZOLAMIDE-RESPONSIVE; CEREBELLOPATHY, HEREDITARY PAROXYSMAL; EPISODIC ATAXIA, NYSTAGMUS-ASSOCIATED. Identifiers: Orphanet 97, MedGen C1720416, MONDO:0007163, OMIM 108500.
Inborn genetic diseases. Identifiers: MedGen C0950123, MeSH D030342.

Submissions (4):

Labcorp Genetics (formerly Invitae), Labcorp
Classification: Uncertain significance for Developmental and epileptic encephalopathy, 42; Episodic ataxia type 2. Last evaluated: 2024-09-09. Review status: criteria provided, single submitter. Criteria: Invitae Variant Classification Sherloc (09022015). Collection method: clinical testing. Allele origin: germline.
Comment: This variant, c.6590_6601dup, results in the insertion of 4 amino acid(s) of the CACNA1A protein (p.Asp2197_Arg2200dup), but otherwise preserves the integrity of the reading frame. This variant is present in population databases (no rsID available, gnomAD 0.007%). This variant has not been reported in the literature in individuals affected with CACNA1A-related conditions. ClinVar contains an entry for this variant (Variation ID: 2202859). In summary, the available evidence is currently insufficient to determine the role of this variant in disease. Therefore, it has been classified as a Variant of Uncertain Significance.

Neuberg Centre For Genomic Medicine, NCGM
Classification: Uncertain significance for Developmental and epileptic encephalopathy, 42. Last evaluated: 2024-02-01. Review status: criteria provided, single submitter. Criteria: ACMG Guidelines, 2015. Collection method: clinical testing. Allele origin: germline. Inheritance: Autosomal dominant inheritance. Affected: yes.
Comment: The above variant has not been reported previously as a pathogenic variant nor as a benign variant, to our knowledge.

Laboratorio de Genetica e Diagnostico Molecular, Hospital Israelita Albert Einstein
Classification: Uncertain significance for Developmental and epileptic encephalopathy, 42. Last evaluated: 2022-11-12. Review status: criteria provided, single submitter. Criteria: ACMG Guidelines, 2015. Collection method: clinical testing. Allele origin: germline. Affected: yes. Observed: 1 variant allele.
Comment: ACMG classification criteria: PM2 moderated, PM4

Ambry Genetics
Classification: Uncertain significance for Inborn genetic diseases. Last evaluated: 2022-10-04. Review status: criteria provided, single submitter. Criteria: Ambry Variant Classification Scheme 2023. Collection method: clinical testing. Allele origin: germline.
Comment: The c.6590_6601dup12 (p.D2197_R2200dup) alteration, located in coding exon 46 of the CACNA1A gene, results from an in-frame duplication of 12 nucleotides at positions 6590 to 6601. This results in the insertion of 4 amino acids between codons 2197 and 2200. Based on data from gnomAD, this allele has an overall frequency of 0.003% (1/31280) total alleles studied. The highest observed frequency was 0.007% (1/15368) of European (non-Finnish) alleles. These amino acid positions are not well conserved in available vertebrate species. Based on insufficient or conflicting evidence, the clinical significance of this alteration remains unclear.

NM_001127222.2(CACNA1A):c.6587_6598dup (p.Arg2199_Gly2200insAspGlnGluArg)

Gene: CACNA1A (calcium voltage-gated channel subunit alpha1 A; minus strand). Cytogenetic location: 19p13.13.
Variant type: Duplication.
Coding change: c.6587_6598dup on transcript NM_001127222.2 (MANE Select); coding-DNA positions 6587 to 6598, 12 bases duplicated (ACCAGGAGCGGG).
Protein change: p.Arg2199_Gly2200insAspGlnGluArg.
Molecular consequence: inframe insertion.
Genome position (GRCh38, 1-based): chr19:13,208,938-13,208,949, CCCGCTCCTGGT duplicated on the plus strand (ACCAGGAGCGGG on the coding strand, the reverse complement: CACNA1A is on the minus strand); duplicating any 12 consecutive bases within chr19:13,208,938-13,208,958 gives the same sequence; the c. name uses the placement nearest the transcript's 3' end. VCF-style (leftmost placement, unchanged base first): chr19-13208937-C-CCCCGCTCCTGGT. GRCh37 (hg19) VCF-style: chr19-13319751-C-CCCCGCTCCTGGT.
Other names: c.6590_6601dup (NM_001127221.1); c.6605_6616dup, p.Arg2205_Gly2206insAspGlnGluArg (NM_000068.4, NM_023035.3); c.6590_6601dup, p.Arg2200_Gly2201insAspGlnGluArg (NM_001127221.2); c.6596_6607dup, p.Arg2202_Gly2203insAspGlnGluArg (NM_001174080.2); c.6590_6601dupACCAGGAGCGGG (NM_001127221.1).
Identifiers: ClinVar variation 2202859 (VCV002202859.7), dbSNP rs763941704, ClinGen allele CA632122913.